The following is an entry in ClinVar:

NM_005154.5(USP8):c.762G>A (p.Glu254=)

Gene: USP8 (ubiquitin specific peptidase 8; plus strand). Cytogenetic location: 15q21.2.
Variant type: single nucleotide variant.
Coding change: c.762G>A on transcript NM_005154.5 (MANE Select); coding-DNA position 762, G replaced by A.
Protein change: p.Glu254=; no amino-acid change (glutamic acid 254 retained).
Molecular consequence: synonymous variant.
Genome position (GRCh38, 1-based): chr15:50,471,708, G>A. VCF-style: chr15-50471708-G-A. GRCh37 (hg19) VCF-style: chr15-50763905-G-A.
Other names: c.762G>A, p.Glu254= (NM_001128610.3); c.531G>A, p.Glu177= (NM_001283049.2).
Identifiers: ClinVar variation 767306 (VCV000767306.32), dbSNP rs370876235, ClinGen allele CA7555561.
Genomic context (GRCh38, chr15:50,471,708, plus strand): 5'-GATTGAAGCACACCTGCCAGATGATTCTAAAGACACATGGAAGAAGAGGGGGAATGTGGA[G>A]TATGTGGTACTTCTTGACTGGTTTAGTTCTGCCAAAGATTTACAGATTGGAACAACTCTC-3'
Protein context (NP_005145.3, residues 244-264): KDTWKKRGNV[Glu254=]YVVLLDWFSS

ClinVar aggregate classification (germline): Likely benign. Review status: criteria provided, multiple submitters, no conflicts (2 of 4 stars). 3 submissions from 3 submitters: Likely benign (2). 1 of the submissions does not count toward it. Last evaluated 2024-10-21.

Conditions:
USP8-related disorder. Also called: USP8-related condition.
Hereditary spastic paraplegia. Also called: Familial spastic paraparesis. Identifiers: Orphanet 685, MedGen C0037773, MONDO:0019064. Disease mechanism: loss of function.

Allele frequency attached by ClinVar (database versions not stated): ESP Exome Variant Server 0.00008; gnomAD 0.00011 and 0.00012; gnomAD exomes 0.00013 and 0.00014; ExAC 0.00015; TOPMed 0.00015.
gnomAD v4.1: 216 of 1,613,980 alleles (0.013%); highest among the groups gnomAD compares: Middle Eastern, 0.033%; no homozygotes.

Submissions (3):

Labcorp Genetics (formerly Invitae), Labcorp
Classification: Likely benign for Hereditary spastic paraplegia. Last evaluated: 2024-10-21. Review status: criteria provided, single submitter. Criteria: Invitae Variant Classification Sherloc (09022015). Collection method: clinical testing. Allele origin: germline.

CeGaT Center for Human Genetics Tuebingen
Classification: Likely benign. Last evaluated: 2022-10-01. Review status: criteria provided, single submitter. Criteria: CeGaT Center For Human Genetics Tuebingen Variant Classification Criteria Version 2. Collection method: clinical testing. Allele origin: germline. Affected: yes. Observed: 1 variant allele.
Comment: USP8: BP4, BP7

PreventionGenetics, part of Exact Sciences
Classification: Likely benign for USP8-related condition. Last evaluated: 2019-12-16. Review status: no assertion criteria provided. Collection method: clinical testing. Allele origin: germline. Not counted in ClinVar's aggregate classification.
Comment: This variant is classified as likely benign based on ACMG/AMP sequence variant interpretation guidelines (Richards et al. 2015 PMID: 25741868, with internal and published modifications).